The following is an entry in ClinVar:

ClinVar aggregate classification (germline): Likely benign (1 of 4 stars; one submission).

Allele frequency attached by ClinVar (database versions not stated): gnomAD 0.00007; gnomAD exomes 0.00015.

Submission:

CeGaT Center for Human Genetics Tuebingen
Classification: Likely benign. Last evaluated: 2023-01-01. Review status: criteria provided, single submitter. Criteria: CeGaT Center For Human Genetics Tuebingen Variant Classification Criteria Version 2. Collection method: clinical testing. Allele origin: germline. Affected: yes. Observed: 1 variant allele.
Comment: TEX13D: BS2

NM_001355534.2(TEX13D):c.781C>A (p.Pro261Thr)

Gene: TEX13D (TEX13 family member D; plus strand). Cytogenetic location: Xq25.
Variant type: single nucleotide variant.
Coding change: c.781C>A on transcript NM_001355534.2 (MANE Select); coding-DNA position 781, C replaced by A.
Protein change: p.Pro261Thr; replaces proline 261 with threonine.
Molecular consequence: missense variant.
Genome position (GRCh38, 1-based): chrX:124,333,698, C>A. VCF-style: chrX-124333698-C-A. GRCh37 (hg19) VCF-style: chrX-123467548-C-A.
Other names: short protein forms P261T.
Identifiers: ClinVar variation 2661355 (VCV002661355.24), dbSNP rs910234084, ClinGen allele CA335065460.